The following is an entry in ClinVar:

ClinVar aggregate classification (germline): Uncertain significance (1 of 4 stars; one submission).

Conditions:
Cardiovascular phenotype. Identifiers: MedGen CN230736.

Submission:

Ambry Genetics
Classification: Uncertain significance for Cardiovascular phenotype. Last evaluated: 2024-07-29. Review status: criteria provided, single submitter. Criteria: Ambry Variant Classification Scheme 2023. Collection method: clinical testing. Allele origin: germline.
Comment: The p.N408K variant (also known as c.1224T>G), located in coding exon 11 of the MYH7 gene, results from a T to G substitution at nucleotide position 1224. The asparagine at codon 408 is replaced by lysine, an amino acid with similar properties. This alteration is located in the myosin head domain, which contains a statistically significant clustering of pathogenic missense variants (Homburger JR et al. Proc Natl Acad Sci U S A, 2016 06;113:6701-6; Walsh R et al. Genet Med, 2017 02;19:192-203; Ambry internal data). This alteration has been reported in a hypertrophic cardiomyopathy (HCM) cohort; however, clinical details are limited (Bos JM et al. Mayo Clin Proc, 2014 Jun;89:727-37). This amino acid position is highly conserved in available vertebrate species. In addition, the in silico prediction for this alteration is inconclusive. Since supporting evidence is limited at this time, the clinical significance of this alteration remains unclear.

Literature cited by the submitters: PubMed 24793961.

NM_000257.4(MYH7):c.1224T>G (p.Asn408Lys)

Gene: MYH7 (myosin heavy chain 7; minus strand). Cytogenetic location: 14q11.2.
Variant type: single nucleotide variant.
Coding change: c.1224T>G on transcript NM_000257.4 (MANE Select); coding-DNA position 1224, T replaced by G.
Protein change: p.Asn408Lys; replaces asparagine 408 with lysine.
Molecular consequence: missense variant.
Genome position (GRCh38, 1-based): chr14:23,429,262, A>C on the plus strand (T>G on the coding strand, the complement: MYH7 is on the minus strand). VCF-style: chr14-23429262-A-C. GRCh37 (hg19) VCF-style: chr14-23898471-A-C.
Other names: c.1224T>G, p.Asn408Lys (NM_001407004.1); short protein forms N408K.
Identifiers: ClinVar variation 2563046 (VCV002563046.3), dbSNP rs1057518877, ClinGen allele CA389051090.